The following is an entry in ClinVar:

NM_145261.4(DNAJC19):c.285A>C (p.Gly95=)

Gene: DNAJC19 (DnaJ heat shock protein family (Hsp40) member C19; minus strand). Cytogenetic location: 3q26.33.
Variant type: single nucleotide variant.
Coding change: c.285A>C on transcript NM_145261.4 (MANE Select); coding-DNA position 285, A replaced by C.
Protein change: p.Gly95=; no amino-acid change (glycine 95 retained).
Molecular consequence: synonymous variant. On other transcripts: non-coding transcript variant (4).
Genome position (GRCh38, 1-based): chr3:180,984,706, T>G on the plus strand (A>C on the coding strand, the complement: DNAJC19 is on the minus strand). VCF-style: chr3-180984706-T-G. GRCh37 (hg19) VCF-style: chr3-180702494-T-G.
Other names: p.G95G:GGA>GGC; c.210A>C, p.Gly70= (NM_001190233.2).
Identifiers: ClinVar variation 137121 (VCV000137121.58), dbSNP rs17850540, ClinGen allele CA024882.

ClinVar aggregate classification (germline): Benign/Likely benign. Review status: criteria provided, multiple submitters, no conflicts (2 of 4 stars). 7 submissions from 7 submitters: Benign (3); Likely benign (3). 1 of the submissions does not count toward it. Last evaluated 2026-08-01.

Conditions:
3-methylglutaconic aciduria type 5. Also called: MGA, TYPE V; CARDIOMYOPATHY, DILATED, WITH ATAXIA; 3 alpha methylglutaconic aciduria type V; MGA 5. Identifiers: Orphanet 66634, MedGen C1857776, MONDO:0012435, OMIM 610198.

Allele frequency attached by ClinVar (database versions not stated): 1000 Genomes Project 0.00200; 1000 Genomes Project 30x 0.00203; ESP Exome Variant Server 0.00301; TOPMed 0.00323; gnomAD exomes 0.00489; ExAC 0.00603; gnomAD 0.00755.

Submissions (7):

CeGaT Center for Human Genetics Tuebingen
Classification: Likely benign. Last evaluated: 2026-08-01. Review status: criteria provided, single submitter. Criteria: CeGaT Center For Human Genetics Tuebingen Variant Classification Criteria Version 2. Collection method: clinical testing. Allele origin: germline. Affected: yes. Observed: 32 variant alleles.
Comment: DNAJC19: BP4, BS2

Labcorp Genetics (formerly Invitae), Labcorp
Classification: Benign for 3-methylglutaconic aciduria type 5. Last evaluated: 2026-02-01. Review status: criteria provided, single submitter. Criteria: Invitae Variant Classification Sherloc (09022015). Collection method: clinical testing. Allele origin: germline.

Blueprint Genetics
Classification: Likely benign. Last evaluated: 2024-11-26. Review status: criteria provided, single submitter. Criteria: ACMG Guidelines, 2015. Collection method: clinical testing. Allele origin: germline.

Women's Health and Genetics/Laboratory Corporation of America, LabCorp
Classification: Benign. Last evaluated: 2020-02-22. Review status: criteria provided, single submitter. Criteria: LabCorp Variant Classification Summary - May 2015. Collection method: clinical testing. Allele origin: germline.

GeneDx
Classification: Benign. Last evaluated: 2013-10-04. Review status: criteria provided, single submitter. Criteria: GeneDx Variant Classification (06012015). Collection method: clinical testing. Allele origin: germline. Affected: yes.
Comment: This variant is considered likely benign or benign based on one or more of the following criteria: it is a conservative change, it occurs at a poorly conserved position in the protein, it is predicted to be benign by multiple in silico algorithms, and/or has population frequency not consistent with disease.

Breakthrough Genomics
Classification: Likely benign. Review status: criteria provided, single submitter. Criteria: ACMG Guidelines, 2015. Collection method: not provided. Allele origin: germline. Inheritance: Autosomal recessive inheritance. Affected: yes.

Mayo Clinic Laboratories, Mayo Clinic
Classification: Benign. Last evaluated: 2016-02-24. Review status: no assertion criteria provided. Collection method: clinical testing. Allele origin: unknown. Not counted in ClinVar's aggregate classification.